The following is an entry in ClinVar:

ClinVar aggregate classification (germline): Likely benign (0 of 4 stars; one submission).

Conditions:
SRGAP1-related disorder. Also called: SRGAP1-related condition.

Submission:

PreventionGenetics, part of Exact Sciences
Classification: Likely benign for SRGAP1-related condition. Last evaluated: 2020-05-29. Review status: no assertion criteria provided. Collection method: clinical testing. Allele origin: germline.
Comment: This variant is classified as likely benign based on ACMG/AMP sequence variant interpretation guidelines (Richards et al. 2015 PMID: 25741868, with internal and published modifications).

NM_020762.4(SRGAP1):c.1324-9dup

Gene: SRGAP1 (SLIT-ROBO Rho GTPase activating protein 1; plus strand). Cytogenetic location: 12q14.2.
Variant type: Duplication.
Coding change: c.1324-9dup on transcript NM_020762.4 (MANE Select); 9 bases into the intron before coding-DNA position 1324, one base duplicated (C; older notation c.1324-9dupC).
Molecular consequence: intron variant.
Genome position (GRCh38, 1-based): chr12:64,080,277, C duplicated; the last of 2 consecutive C bases (chr12:64,080,276-64,080,277); duplicating either gives the same sequence. VCF-style (leftmost placement, unchanged base first): chr12-64080275-G-GC. GRCh37 (hg19) VCF-style: chr12-64474055-G-GC.
Other names: c.1324-9dup (NM_001346201.2).
Identifiers: ClinVar variation 3036649 (VCV003036649.2), dbSNP rs2499051334, ClinGen allele CA2740092422.